The following is an entry in ClinVar:

NR_003051.4(RMRP):n.56C>T

Gene: RMRP (RNA component of mitochondrial RNA processing endoribonuclease; minus strand). Cytogenetic location: 9p13.3.
Variant type: single nucleotide variant.
Genome position: GRCh38 VCF-style: chr9-35657964-G-A. GRCh37 (hg19) VCF-style: chr9-35657961-G-A.
Identifiers: ClinVar variation 967824 (VCV000967824.5), dbSNP rs1032219537, ClinGen allele CA192745676.

ClinVar aggregate classification (germline): Uncertain significance. Review status: criteria provided, single submitter (1 of 4 stars). 2 submissions from 2 submitters: Uncertain significance (1). 1 of the submissions does not count toward it. Last evaluated 2024-11-11.

Conditions:
Anauxetic dysplasia. Identifiers: Orphanet 93347, MedGen C1846796, MONDO:0011773.
Metaphyseal chondrodysplasia, McKusick type (CHH). Also called: Cartilage-hair hypoplasia; Cartilage-Hair Hypoplasia (CHH). Identifiers: Orphanet 175, MedGen C0220748, MONDO:0009595, OMIM 250250.

Allele frequency attached by ClinVar (database versions not stated): gnomAD 0.00005 and 0.00006; gnomAD exomes 0.00008; TOPMed 0.00012.
gnomAD v4.1: 34 of 700,312 alleles (0.0049%); highest among the groups gnomAD compares: Middle Eastern, 0.036%; no homozygotes.

Submissions (2):

Labcorp Genetics (formerly Invitae), Labcorp
Classification: Uncertain significance for Anauxetic dysplasia. Last evaluated: 2024-11-11. Review status: criteria provided, single submitter. Criteria: Invitae Variant Classification Sherloc (09022015). Collection method: clinical testing. Allele origin: germline.
Comment: This variant occurs in the RMRP gene, which encodes an RNA molecule that does not result in a protein product. The frequency data for this variant in the population databases is considered unreliable, as metrics indicate poor data quality at this position in the gnomAD database. This variant has not been reported in the literature in individuals affected with RMRP-related conditions. ClinVar contains an entry for this variant (Variation ID: 967824). Experimental studies and prediction algorithms are not available or were not evaluated, and the functional significance of this variant is currently unknown. In summary, the available evidence is currently insufficient to determine the role of this variant in disease. Therefore, it has been classified as a Variant of Uncertain Significance.

Natera, Inc.
Classification: Uncertain significance for Cartilage-hair hypoplasia. Last evaluated: 2020-04-21. Review status: no assertion criteria provided. Collection method: clinical testing. Allele origin: germline. Not counted in ClinVar's aggregate classification.